The following is an entry in ClinVar:

ClinVar aggregate classification (germline): Uncertain significance (1 of 4 stars; one submission).

Conditions:
Hyperphosphatasia with impaired intellectual development syndrome 2. Also called: Hyperphosphatasia with intellectual disability syndrome 2; GLYCOSYLPHOSPHATIDYLINOSITOL BIOSYNTHESIS DEFECT 6. Identifiers: Orphanet 247262, MedGen C3553637, MONDO:0013882, OMIM 614749.

Allele frequency attached by ClinVar (database versions not stated): gnomAD 0.00001; TOPMed 0.00002.
gnomAD v4.1: 1 of 1,614,100 alleles (0.000062%); highest among the groups gnomAD compares: African/African-American, 0.0013%; no homozygotes.

Submission:

Labcorp Genetics (formerly Invitae), Labcorp
Classification: Uncertain significance for Hyperphosphatasia with impaired intellectual development syndrome 2. Last evaluated: 2020-01-05. Review status: criteria provided, single submitter. Criteria: Invitae Variant Classification Sherloc (09022015). Collection method: clinical testing. Allele origin: germline.
Comment: This sequence change replaces glutamic acid with lysine at codon 247 of the PIGO protein (p.Glu247Lys). The glutamic acid residue is moderately conserved and there is a small physicochemical difference between glutamic acid and lysine. This variant is not present in population databases (ExAC no frequency). This variant has not been reported in the literature in individuals with PIGO-related conditions. Algorithms developed to predict the effect of missense changes on protein structure and function are either unavailable or do not agree on the potential impact of this missense change (SIFT: "Tolerated"; PolyPhen-2: "Probably Damaging"; Align-GVGD: "Class C0"). In summary, the available evidence is currently insufficient to determine the role of this variant in disease. Therefore, it has been classified as a Variant of Uncertain Significance.

NM_032634.4(PIGO):c.739G>A (p.Glu247Lys)

Gene: PIGO (phosphatidylinositol glycan anchor biosynthesis class O; minus strand). Cytogenetic location: 9p13.3.
Variant type: single nucleotide variant.
Coding change: c.739G>A on transcript NM_032634.4 (MANE Select); coding-DNA position 739, G replaced by A.
Protein change: p.Glu247Lys; replaces glutamic acid 247 with lysine.
Molecular consequence: missense variant.
Genome position (GRCh38, 1-based): chr9:35,093,941, C>T on the plus strand (G>A on the coding strand, the complement: PIGO is on the minus strand). VCF-style: chr9-35093941-C-T. GRCh37 (hg19) VCF-style: chr9-35093938-C-T.
Other names: c.739G>A, p.Glu247Lys (NM_001201484.2, NM_152850.4); short protein forms E247K.
Identifiers: ClinVar variation 1052797 (VCV001052797.9), dbSNP rs1266167213, ClinGen allele CA373323607.